The following is an entry in ClinVar:

ClinVar aggregate classification (germline): Uncertain significance (1 of 4 stars; one submission).

Submission:

Labcorp Genetics (formerly Invitae), Labcorp
Classification: Uncertain significance. Last evaluated: 2023-04-24. Review status: criteria provided, single submitter. Criteria: Invitae Variant Classification Sherloc (09022015). Collection method: clinical testing. Allele origin: germline.
Comment: In summary, the available evidence is currently insufficient to determine the role of this variant in disease. Therefore, it has been classified as a Variant of Uncertain Significance. Advanced modeling of protein sequence and biophysical properties (such as structural, functional, and spatial information, amino acid conservation, physicochemical variation, residue mobility, and thermodynamic stability) performed at Invitae indicates that this missense variant is not expected to disrupt MFSD2A protein function. ClinVar contains an entry for this variant (Variation ID: 1715018). This variant has not been reported in the literature in individuals affected with MFSD2A-related conditions. This variant is not present in population databases (gnomAD no frequency). This sequence change replaces glutamine, which is neutral and polar, with glutamic acid, which is acidic and polar, at codon 156 of the MFSD2A protein (p.Gln156Glu).

NM_032793.5(MFSD2A):c.427C>G (p.Gln143Glu)

Gene: MFSD2A (MFSD2 lysolipid transporter A, lysophospholipid; plus strand). Cytogenetic location: 1p34.2.
Variant type: single nucleotide variant.
Coding change: c.427C>G on transcript NM_032793.5 (MANE Select); coding-DNA position 427, C replaced by G.
Protein change: p.Gln143Glu; replaces glutamine 143 with glutamic acid.
Molecular consequence: missense variant. On other transcripts: 5 prime UTR variant (1), non-coding transcript variant (1).
Genome position (GRCh38, 1-based): chr1:39,965,284, C>G. VCF-style: chr1-39965284-C-G. GRCh37 (hg19) VCF-style: chr1-40430956-C-G.
Other names: c.466C>G, p.Gln156Glu (NM_001136493.3); c.-42C>G (NM_001287808.2); c.316C>G, p.Gln106Glu (NM_001287809.2); c.421C>G, p.Gln141Glu (NM_001349821.2); c.427C>G, p.Gln143Glu (NM_001349822.2); c.82C>G, p.Gln28Glu (NM_001349823.2); short protein forms Q106E, Q141E, Q143E, Q156E, Q28E.
Identifiers: ClinVar variation 1715018 (VCV001715018.3), dbSNP rs2522952662, ClinGen allele CA339834129.